The following is an entry in ClinVar:

ClinVar aggregate classification (germline): Uncertain significance (1 of 4 stars; one submission).

Conditions:
Familial cold autoinflammatory syndrome 3 (FCAS3). Also called: FAMILIAL ATYPICAL COLD URTICARIA; ANTIBODY DEFICIENCY AND IMMUNE DYSREGULATION, PLCG2-ASSOCIATED. Identifiers: Orphanet 300359, MedGen C3280914, MONDO:0013766, OMIM 614468.

Allele frequency attached by ClinVar (database versions not stated): TOPMed below 0.00001; gnomAD exomes 0.00001; gnomAD 0.00002.
gnomAD v4.1: 11 of 1,613,752 alleles (0.00068%); highest among the groups gnomAD compares: South Asian, 0.0066%; no homozygotes.

Submission:

Labcorp Genetics (formerly Invitae), Labcorp
Classification: Uncertain significance for Familial cold autoinflammatory syndrome 3. Last evaluated: 2023-04-10. Review status: criteria provided, single submitter. Criteria: Invitae Variant Classification Sherloc (09022015). Collection method: clinical testing. Allele origin: germline.
Comment: This sequence change replaces alanine, which is neutral and non-polar, with valine, which is neutral and non-polar, at codon 1114 of the PLCG2 protein (p.Ala1114Val). This variant is present in population databases (no rsID available, gnomAD 0.006%). In summary, the available evidence is currently insufficient to determine the role of this variant in disease. Therefore, it has been classified as a Variant of Uncertain Significance. An algorithm developed to predict the effect of missense changes on protein structure and function (PolyPhen-2) suggests that this variant is likely to be tolerated. ClinVar contains an entry for this variant (Variation ID: 1053372). This variant has not been reported in the literature in individuals affected with PLCG2-related conditions.

NM_002661.5(PLCG2):c.3341C>T (p.Ala1114Val)

Gene: PLCG2 (phospholipase C gamma 2; plus strand). Cytogenetic location: 16q23.3.
Variant type: single nucleotide variant.
Coding change: c.3341C>T on transcript NM_002661.5 (MANE Select); coding-DNA position 3341, C replaced by T.
Protein change: p.Ala1114Val; replaces alanine 1114 with valine.
Molecular consequence: missense variant.
Genome position (GRCh38, 1-based): chr16:81,939,919, C>T. VCF-style: chr16-81939919-C-T. GRCh37 (hg19) VCF-style: chr16-81973524-C-T.
Other names: short protein forms A1114V.
Identifiers: ClinVar variation 1053372 (VCV001053372.9), dbSNP rs935810528, ClinGen allele CA285194971.